The following is an entry in ClinVar:

NM_006231.4(POLE):c.6120G>A (p.Ala2040=)

Gene: POLE (DNA polymerase epsilon, catalytic subunit; minus strand). Cytogenetic location: 12q24.33.
Variant type: single nucleotide variant.
Coding change: c.6120G>A on transcript NM_006231.4 (MANE Select); coding-DNA position 6120, G replaced by A.
Protein change: p.Ala2040=; no amino-acid change (alanine 2040 retained).
Molecular consequence: synonymous variant.
Genome position (GRCh38, 1-based): chr12:132,632,680, C>T on the plus strand (G>A on the coding strand, the complement: POLE is on the minus strand). VCF-style: chr12-132632680-C-T. GRCh37 (hg19) VCF-style: chr12-133209266-C-T.
Identifiers: ClinVar variation 486949 (VCV000486949.19), dbSNP rs777260502, ClinGen allele CA246293030.
Genomic context (GRCh38, chr12:132,632,680, plus strand): 5'-CACTGGCACATGGCAGTGGCCTCAAAAGACAAAAGACTGCTCACCGGGAAGGGCTCCGAC[C>T]GCCCCCTCGGCCTCCTGGGAGAGCTGGCTGGCCCCCCTCCTCCTCACGGGGGTGCTCCCT-3'
Protein context (NP_006222.2, residues 2030-2050): ASQLSQEAEG[Ala2040=]VGALPGMITF

ClinVar aggregate classification (germline): Likely benign. Review status: criteria provided, multiple submitters, no conflicts (2 of 4 stars). 4 submissions from 4 submitters: Likely benign (4). Last evaluated 2025-12-09.

Conditions:
Hereditary cancer-predisposing syndrome. Also called: Tumor predisposition; Hereditary Cancer Syndrome; Hereditary neoplastic syndrome; Neoplastic Syndromes, Hereditary. Identifiers: Orphanet 140162, MedGen C0027672, MeSH D009386, MONDO:0015356.

Allele frequency attached by ClinVar (database versions not stated): gnomAD exomes below 0.00001 and 0.00001; TOPMed 0.00001.
gnomAD v4.1: 16 of 1,613,872 alleles (0.00099%); highest among the groups gnomAD compares: Middle Eastern, 0.049%; no homozygotes.

Submissions (4):

Labcorp Genetics (formerly Invitae), Labcorp
Classification: Likely benign. Last evaluated: 2025-12-09. Review status: criteria provided, single submitter. Criteria: Invitae Variant Classification Sherloc (09022015). Collection method: clinical testing. Allele origin: germline.

Quest Diagnostics Nichols Institute San Juan Capistrano
Classification: Likely benign. Last evaluated: 2018-12-31. Review status: criteria provided, single submitter. Criteria: Quest Diagnostics criteria. Collection method: clinical testing. Allele origin: germline.

GeneDx
Classification: Likely benign. Last evaluated: 2018-04-19. Review status: criteria provided, single submitter. Criteria: GeneDx Variant Classification (06012015). Collection method: clinical testing. Allele origin: germline. Affected: yes.
Comment: This variant is considered likely benign or benign based on one or more of the following criteria: it is a conservative change, it occurs at a poorly conserved position in the protein, it is predicted to be benign by multiple in silico algorithms, and/or has population frequency not consistent with disease.

Ambry Genetics
Classification: Likely benign for Hereditary cancer-predisposing syndrome. Last evaluated: 2015-07-30. Review status: criteria provided, single submitter. Criteria: Ambry Variant Classification Scheme 2023. Collection method: clinical testing. Allele origin: germline.